The following is an entry in ClinVar:

NM_006231.4(POLE):c.3327dup (p.Leu1110fs)

Gene: POLE (DNA polymerase epsilon, catalytic subunit; minus strand). Cytogenetic location: 12q24.33.
Variant type: Duplication.
Coding change: c.3327dup on transcript NM_006231.4 (MANE Select); coding-DNA position 3327, one base duplicated (T; older notation c.3327dupT).
Protein change: p.Leu1110fs; shifts the reading frame from leucine 1110.
Molecular consequence: frameshift variant.
Genome position (GRCh38, 1-based): chr12:132,657,919, A duplicated on the plus strand (T on the coding strand, the reverse complement: POLE is on the minus strand); the first of 3 consecutive A bases (chr12:132,657,919-132,657,921); duplicating any one gives the same sequence. VCF-style (leftmost placement, unchanged base first): chr12-132657918-G-GA. GRCh37 (hg19) VCF-style: chr12-133234504-G-GA.
Other names: short protein forms L1110fs.
Identifiers: ClinVar variation 484578 (VCV000484578.12), dbSNP rs1555225319, ClinGen allele CA658658190.

ClinVar aggregate classification (germline): Conflicting classifications of pathogenicity. Review status: criteria provided, conflicting classifications (1 of 4 stars). 2 submissions from 2 submitters: Pathogenic (1); Uncertain significance (1). Last evaluated 2026-02-05.

Conditions:
Hereditary cancer-predisposing syndrome. Also called: Tumor predisposition; Hereditary Cancer Syndrome; Neoplastic Syndromes, Hereditary; Hereditary neoplastic syndrome. Identifiers: Orphanet 140162, MedGen C0027672, MeSH D009386, MONDO:0015356.

Submissions (2):

Ambry Genetics
Classification: Uncertain significance for Hereditary cancer-predisposing syndrome. Last evaluated: 2026-02-05. Review status: criteria provided, single submitter. Criteria: Ambry Variant Classification Scheme 2023. Collection method: clinical testing. Allele origin: germline.
Comment: The c.3327dupT variant, located in coding exon 27 of the POLE gene, results from a duplication of T at nucleotide position 3327, causing a translational frameshift with a predicted alternate stop codon (p.L1110Sfs*14). This alteration is expected to result in loss of function by premature protein truncation or nonsense-mediated mRNA decay. Although biallelic loss of function of POLE has been associated with autosomal recessive POLE deficiency, haploinsufficiency of POLE has not been established as a mechanism of disease for POLE-related polymerase proofreading-associated polyposis (PPAP) and POLE-related CMMRD-like syndrome. Based on the supporting evidence, this variant is expected to be causative of POLE deficiency when present along with a second pathogenic variant on the other allele; however, its clinical significance for PPAP and POLE-related CMMRD-like syndrome is unclear.

Labcorp Genetics (formerly Invitae), Labcorp
Classification: Pathogenic. Last evaluated: 2022-05-12. Review status: criteria provided, single submitter. Criteria: Invitae Variant Classification Sherloc (09022015). Collection method: clinical testing. Allele origin: germline.
Comment: This variant has not been reported in the literature in individuals affected with POLE-related conditions. This variant is not present in population databases (gnomAD no frequency). ClinVar contains an entry for this variant (Variation ID: 484578). For these reasons, this variant has been classified as Pathogenic. This sequence change creates a premature translational stop signal (p.Leu1110Serfs*14) in the POLE gene. It is expected to result in an absent or disrupted protein product. Loss-of-function variants in POLE are known to be pathogenic (PMID: 23230001, 25948378, 30503519).

Literature cited by the submitters: PubMed 23230001 (cited by Labcorp Genetics (formerly Invitae), Labcorp); PubMed 25948378 (cited by Labcorp Genetics (formerly Invitae), Labcorp); PubMed 30503519 (cited by Labcorp Genetics (formerly Invitae), Labcorp).